The following is an entry in ClinVar:

NM_000283.4(PDE6B):c.350G>A (p.Ser117Asn)

Gene: PDE6B (phosphodiesterase 6B; plus strand). Cytogenetic location: 4p16.3.
Variant type: single nucleotide variant.
Coding change: c.350G>A on transcript NM_000283.4 (MANE Select); coding-DNA position 350, G replaced by A.
Protein change: p.Ser117Asn; replaces serine 117 with asparagine.
Molecular consequence: missense variant.
Genome position (GRCh38, 1-based): chr4:625,976, G>A. VCF-style: chr4-625976-G-A. GRCh37 (hg19) VCF-style: chr4-619765-G-A.
Other names: c.350G>A, p.Ser117Asn (NM_001145291.2); short protein forms S117N.
Identifiers: ClinVar variation 1473235 (VCV001473235.7), dbSNP rs1463082566, ClinGen allele CA355906917.

ClinVar aggregate classification (germline): Uncertain significance. Review status: criteria provided, multiple submitters, no conflicts (2 of 4 stars). 2 submissions from 2 submitters: Uncertain significance (2). Last evaluated 2023-11-27.

Allele frequency attached by ClinVar (database versions not stated): gnomAD exomes 0.00001.
gnomAD v4.1: 18 of 1,583,140 alleles (0.0011%); highest among the groups gnomAD compares: Non-Finnish European, 0.0015%; no homozygotes.

Submissions (2):

Labcorp Genetics (formerly Invitae), Labcorp
Classification: Uncertain significance. Last evaluated: 2023-11-27. Review status: criteria provided, single submitter. Criteria: Invitae Variant Classification Sherloc (09022015). Collection method: clinical testing. Allele origin: germline.
Comment: This sequence change replaces serine, which is neutral and polar, with asparagine, which is neutral and polar, at codon 117 of the PDE6B protein (p.Ser117Asn). The frequency data for this variant in the population databases is considered unreliable, as metrics indicate poor data quality at this position in the gnomAD database. This variant has not been reported in the literature in individuals affected with PDE6B-related conditions. ClinVar contains an entry for this variant (Variation ID: 1473235). Advanced modeling of protein sequence and biophysical properties (such as structural, functional, and spatial information, amino acid conservation, physicochemical variation, residue mobility, and thermodynamic stability) has been performed at Invitae for this missense variant, however the output from this modeling did not meet the statistical confidence thresholds required to predict the impact of this variant on PDE6B protein function. In summary, the available evidence is currently insufficient to determine the role of this variant in disease. Therefore, it has been classified as a Variant of Uncertain Significance.

Blueprint Genetics
Classification: Uncertain significance. Last evaluated: 2018-05-24. Review status: criteria provided, single submitter. Criteria: ACMG Guidelines, 2015. Collection method: clinical testing. Allele origin: germline.